The following is an entry in ClinVar:

NM_003659.4(AGPS):c.*4255T>G

Gene: AGPS (alkylglycerone phosphate synthase; plus strand). Cytogenetic location: 2q31.2.
Variant type: single nucleotide variant.
Coding change: c.*4255T>G on transcript NM_003659.4 (MANE Select); 4255 bases downstream of the stop codon, T replaced by G.
Molecular consequence: 3 prime UTR variant.
Genome position (GRCh38, 1-based): chr2:177,542,450, T>G. VCF-style: chr2-177542450-T-G. GRCh37 (hg19) VCF-style: chr2-178407178-T-G.
Identifiers: ClinVar variation 894406 (VCV000894406.4), dbSNP rs190967028, ClinGen allele CA60905684.

ClinVar aggregate classification (germline): Likely benign (1 of 4 stars; one submission).

Conditions:
Rhizomelic chondrodysplasia punctata type 3 (RCDP3). Also called: Alkylglycerone Phosphate Synthase (AGPS) deficiency; ALKYLDIHYDROXYACETONEPHOSPHATE SYNTHASE DEFICIENCY. Identifiers: Orphanet 177, Orphanet 309803, MedGen C1838612, MONDO:0010823, OMIM 600121. Disease mechanism: loss of function.

Allele frequency attached by ClinVar (database versions not stated): gnomAD 0.00250 and 0.00272; 1000 Genomes Project 0.00300; 1000 Genomes Project 30x 0.00312; TOPMed 0.00326.

Submission:

Illumina Laboratory Services, Illumina
Classification: Likely benign for Rhizomelic chondrodysplasia punctata type 3. Last evaluated: 2018-01-13. Review status: criteria provided, single submitter. Criteria: ICSL Variant Classification Criteria 13 December 2019. Collection method: clinical testing. Allele origin: germline.
Comment: This variant was observed in the ICSL laboratory as part of a predisposition screen in an ostensibly healthy population. It had not been previously curated by ICSL or reported in the Human Gene Mutation Database (HGMD: prior to June 1st, 2018), and was therefore a candidate for classification through an automated scoring system. Utilizing variant allele frequency, disease prevalence and penetrance estimates, and inheritance mode, an automated score was calculated to assess if this variant is too frequent to cause the disease. Based on the score and internal cut-off values, a variant classified as likely benign is not then subjected to further curation. The score for this variant resulted in a classification of likely benign for this disease.